The following is an entry in ClinVar:

ClinVar aggregate classification (germline): Benign/Likely benign. Review status: criteria provided, multiple submitters, no conflicts (2 of 4 stars). 3 submissions from 3 submitters: Benign (1); Likely benign (2). Last evaluated 2025-02-09.

Conditions:
Familial cancer of breast. Also called: hereditary breast carcinoma; Hereditary breast cancer; BREAST CANCER, FAMILIAL. Identifiers: Orphanet 227535, MedGen C0346153, MONDO:0016419, OMIM 114480. Disease mechanism: loss of function.

Allele frequency attached by ClinVar (database versions not stated): gnomAD exomes below 0.00001; TOPMed 0.00001.
gnomAD v4.1: 1 of 1,613,192 alleles (0.000062%); highest among the groups gnomAD compares: African/African-American, 0.0013%; no homozygotes.

Submissions (3):

Labcorp Genetics (formerly Invitae), Labcorp
Classification: Likely benign for Familial cancer of breast. Last evaluated: 2025-02-09. Review status: criteria provided, single submitter. Criteria: Invitae Variant Classification Sherloc (09022015). Collection method: clinical testing. Allele origin: germline.

Myriad Genetics, Inc.
Classification: Benign for Familial cancer of breast. Last evaluated: 2024-10-03. Review status: criteria provided, single submitter. Criteria: Myriad Autosomal Dominant, Autosomal Recessive and X-Linked Classification Criteria (2023). Collection method: clinical testing. Allele origin: unknown.
Comment: This variant is considered benign. This variant is intronic and is not expected to impact mRNA splicing.

GeneDx
Classification: Likely benign. Last evaluated: 2015-12-15. Review status: criteria provided, single submitter. Criteria: GeneDx Variant Classification (06012015). Collection method: clinical testing. Allele origin: germline. Affected: yes.
Comment: This variant is considered likely benign or benign based on one or more of the following criteria: it is a conservative change, it occurs at a poorly conserved position in the protein, it is predicted to be benign by multiple in silico algorithms, and/or has population frequency not consistent with disease.

NM_007194.4(CHEK2):c.592+13T>C

Gene: CHEK2 (checkpoint kinase 2; minus strand). Cytogenetic location: 22q12.1.
Variant type: single nucleotide variant.
Coding change: c.592+13T>C on transcript NM_007194.4 (MANE Select); 13 bases into the intron after coding-DNA position 592, T replaced by C.
Molecular consequence: intron variant.
Genome position (GRCh38, 1-based): chr22:28,724,964, A>G on the plus strand (T>C on the coding strand, the complement: CHEK2 is on the minus strand). VCF-style: chr22-28724964-A-G. GRCh37 (hg19) VCF-style: chr22-29120952-A-G.
Other names: c.-72+13T>C (NM_001437942.1); c.445-41T>C (NM_001349956.3); c.592+13T>C (NM_145862.3); c.-186+13T>C (NM_001257387.3); c.685+13T>C (NM_001438295.1, NM_001438293.1); c.721+13T>C (NM_001438294.1, NM_001005735.3).
Identifiers: ClinVar variation 382283 (VCV000382283.10), dbSNP rs1057521311, ClinGen allele CA16608643.